The following is an entry in ClinVar:

ClinVar aggregate classification (germline): Uncertain significance. Review status: criteria provided, multiple submitters, no conflicts (2 of 4 stars). 2 submissions from 2 submitters: Uncertain significance (2). Last evaluated 2026-06-08.

Conditions:
Bethlem myopathy 2 (BTHLM2). Identifiers: Orphanet 536516, Orphanet 610, MedGen C4225313, MONDO:0034022, OMIM 616471.
Ullrich congenital muscular dystrophy 2 (UCMD2). Identifiers: Orphanet 75840, MedGen C4225314, MONDO:0014654, OMIM 616470.

Submissions (2):

Women's Health and Genetics/Laboratory Corporation of America, LabCorp
Classification: Uncertain significance. Last evaluated: 2026-06-08. Review status: criteria provided, single submitter. Criteria: LabCorp Variant Classification Summary - May 2015. Collection method: clinical testing. Allele origin: germline.

Labcorp Genetics (formerly Invitae), Labcorp
Classification: Uncertain significance for Bethlem myopathy 2; Ullrich congenital muscular dystrophy 2. Last evaluated: 2024-06-13. Review status: criteria provided, single submitter. Criteria: Invitae Variant Classification Sherloc (09022015). Collection method: clinical testing. Allele origin: germline.
Comment: This sequence change replaces proline, which is neutral and non-polar, with serine, which is neutral and polar, at codon 1057 of the COL12A1 protein (p.Pro1057Ser). This variant is not present in population databases (gnomAD no frequency). This variant has not been reported in the literature in individuals affected with COL12A1-related conditions. Advanced modeling of protein sequence and biophysical properties (such as structural, functional, and spatial information, amino acid conservation, physicochemical variation, residue mobility, and thermodynamic stability) performed at Invitae indicates that this missense variant is not expected to disrupt COL12A1 protein function with a negative predictive value of 80%. In summary, the available evidence is currently insufficient to determine the role of this variant in disease. Therefore, it has been classified as a Variant of Uncertain Significance.

NM_004370.6(COL12A1):c.3169C>T (p.Pro1057Ser)

Gene: COL12A1 (collagen type XII alpha 1 chain; minus strand). Cytogenetic location: 6q13.
Variant type: single nucleotide variant.
Coding change: c.3169C>T on transcript NM_004370.6 (MANE Select); coding-DNA position 3169, C replaced by T.
Protein change: p.Pro1057Ser; replaces proline 1057 with serine.
Molecular consequence: missense variant. On other transcripts: intron variant (2).
Genome position (GRCh38, 1-based): chr6:75,156,338, G>A on the plus strand (C>T on the coding strand, the complement: COL12A1 is on the minus strand). VCF-style: chr6-75156338-G-A. GRCh37 (hg19) VCF-style: chr6-75866054-G-A.
Other names: c.3169C>T, p.Pro1057Ser (NM_001424113.1, NM_001424114.1); c.2896C>T, p.Pro966Ser (NM_001424115.1); c.74-3856C>T (NM_001424116.1, NM_080645.3); short protein forms P1057S, P966S.
Identifiers: ClinVar variation 3761506 (VCV003761506.3).
Genomic context (GRCh38, chr6:75,156,338, plus strand): 5'-TAAGCTTTCCTTCTCCCATCTTGTAAATAGGAAGAACTGTGATGTCATATGTGGTCTGTG[G>A]CTGAAGTCGCTTTAACACTGTCGAAGTGACTGTGGGGGGCACCTTAGCAACCATTTGCTT-3'
Protein context (NP_004361.3, residues 1047-1067): VTSTVLKRLQ[Pro1057Ser]QTTYDITVLP